The following is an entry in ClinVar:

NM_021803.4(IL21):c.361-6T>C

Gene: IL21 (interleukin 21; minus strand). Cytogenetic location: 4q27.
Variant type: single nucleotide variant.
Coding change: c.361-6T>C on transcript NM_021803.4 (MANE Select); 6 bases into the intron before coding-DNA position 361, T replaced by C.
Molecular consequence: intron variant.
Genome position (GRCh38, 1-based): chr4:122,612,934, A>G on the plus strand (T>C on the coding strand, the complement: IL21 is on the minus strand). VCF-style: chr4-122612934-A-G. GRCh37 (hg19) VCF-style: chr4-123534089-A-G.
Other names: c.361-6T>C (NM_001207006.3).
Identifiers: ClinVar variation 3702644 (VCV003702644.2).
Genomic context (GRCh38, chr4:122,612,934, plus strand): 5'-TTTCTAGGAATTCTTTGGGTGGTTTTTTCTCATAAGAATCACATGAAGGGCATGTCTAGA[A>G]ATCAATGAAAAAGTAACAGTCTTCTTTAAAATTTTTTTCGTAATAAAATGTTTCTTAAAA-3'

ClinVar aggregate classification (germline): Uncertain significance (1 of 4 stars; one submission).

gnomAD v4.1: 11 of 1,544,052 alleles (0.00071%); highest among the groups gnomAD compares: African/African-American, 0.012%; no homozygotes.

Submission:

Labcorp Genetics (formerly Invitae), Labcorp
Classification: Uncertain significance. Last evaluated: 2025-10-01. Review status: criteria provided, single submitter. Criteria: Invitae Variant Classification Sherloc (09022015). Collection method: clinical testing. Allele origin: germline.
Comment: This sequence change falls in intron 3 of the IL21 gene. It does not directly change the encoded amino acid sequence of the IL21 protein. This variant is present in population databases (rs375579738, gnomAD 0.03%). This variant has not been reported in the literature in individuals affected with IL21-related conditions. ClinVar contains an entry for this variant (Variation ID: 3702644). Algorithms developed to predict the effect of sequence changes on RNA splicing suggest that this variant may disrupt the consensus splice site. In summary, the available evidence is currently insufficient to determine the role of this variant in disease. Therefore, it has been classified as a Variant of Uncertain Significance.